The following is an entry in ClinVar:

ClinVar aggregate classification (germline): Uncertain significance. Review status: criteria provided, multiple submitters, no conflicts (2 of 4 stars). 2 submissions from 2 submitters: Uncertain significance (2). Last evaluated 2025-09-05.

Conditions:
Hereditary cancer-predisposing syndrome. Also called: Neoplastic Syndromes, Hereditary; Hereditary neoplastic syndrome; Tumor predisposition; Hereditary Cancer Syndrome. Identifiers: Orphanet 140162, MedGen C0027672, MeSH D009386, MONDO:0015356.
Familial cancer of breast. Also called: hereditary breast carcinoma; BREAST CANCER, FAMILIAL; Hereditary breast cancer. Identifiers: Orphanet 227535, MedGen C0346153, MONDO:0016419, OMIM 114480. Disease mechanism: loss of function.

Submissions (2):

Ambry Genetics
Classification: Uncertain significance for Hereditary cancer-predisposing syndrome. Last evaluated: 2025-09-05. Review status: criteria provided, single submitter. Criteria: Ambry Variant Classification Scheme 2023. Collection method: clinical testing. Allele origin: germline.
Comment: The p.H2324Q variant (also known as c.6972T>G), located in coding exon 12 of the BRCA2 gene, results from a T to G substitution at nucleotide position 6972. The histidine at codon 2324 is replaced by glutamine, an amino acid with highly similar properties. This amino acid position is well conserved in available vertebrate species. In addition, the in silico prediction for this alteration is inconclusive. Based on the available evidence, the clinical significance of this variant remains unclear.

Baylor Genetics
Classification: Uncertain significance for Familial cancer of breast. Last evaluated: 2023-05-11. Review status: criteria provided, single submitter. Criteria: ACMG Guidelines, 2015. Collection method: clinical testing. Allele origin: unknown.

NM_000059.4(BRCA2):c.6972T>G (p.His2324Gln)

Gene: BRCA2 (BRCA2 DNA repair associated; plus strand). Cytogenetic location: 13q13.1.
Variant type: single nucleotide variant.
Coding change: c.6972T>G on transcript NM_000059.4 (MANE Select); coding-DNA position 6972, T replaced by G.
Protein change: p.His2324Gln; replaces histidine 2324 with glutamine.
Molecular consequence: missense variant. On other transcripts: non-coding transcript variant (1).
Genome position (GRCh38, 1-based): chr13:32,346,861, T>G. VCF-style: chr13-32346861-T-G. GRCh37 (hg19) VCF-style: chr13-32920998-T-G.
Other names: c.6876T>G, p.His2292Gln (NM_001406719.1); c.6972T>G, p.His2324Gln (NM_001406720.1); c.2040T>G, p.His680Gln (NM_001406721.1); c.555T>G, p.His185Gln (NM_001406722.1); short protein forms H185Q, H2292Q, H2324Q, H680Q.
Identifiers: ClinVar variation 2680279 (VCV002680279.2), dbSNP rs2072614551, ClinGen allele CA387793057.